The following is an entry in ClinVar:

NM_033026.6(PCLO):c.14833A>G (p.Thr4945Ala)

Genes: PCLO (piccolo presynaptic cytomatrix protein; minus strand), LOC126860089 (MED14-independent group 3 enhancer GRCh37_chr7:82434470-82435669; plus strand). Cytogenetic location: 7q21.11.
Variant type: single nucleotide variant.
Coding change: c.14833A>G on transcript NM_033026.6 (MANE Select); coding-DNA position 14833, A replaced by G.
Protein change: p.Thr4945Ala; replaces threonine 4945 with alanine.
Molecular consequence: missense variant.
Genome position (GRCh38, 1-based): chr7:82,805,788, T>C on the plus strand (A>G on the coding strand, the complement: PCLO is on the minus strand). VCF-style: chr7-82805788-T-C. GRCh37 (hg19) VCF-style: chr7-82435104-T-C.
Other names: short protein forms T4945A.
Identifiers: ClinVar variation 1361040 (VCV001361040.8), dbSNP rs1791446504, ClinGen allele CA368018621.

ClinVar aggregate classification (germline): Uncertain significance (1 of 4 stars; one submission).

Allele frequency attached by ClinVar (database versions not stated): gnomAD exomes below 0.00001.

Submission:

Labcorp Genetics (formerly Invitae), Labcorp
Classification: Uncertain significance. Last evaluated: 2021-01-04. Review status: criteria provided, single submitter. Criteria: Invitae Variant Classification Sherloc (09022015). Collection method: clinical testing. Allele origin: germline.
Comment: In summary, the available evidence is currently insufficient to determine the role of this variant in disease. Therefore, it has been classified as a Variant of Uncertain Significance. Algorithms developed to predict the effect of missense changes on protein structure and function are either unavailable or do not agree on the potential impact of this missense change (SIFT: "Tolerated"; PolyPhen-2: "Not Available"; Align-GVGD: "Class C0"). This variant has not been reported in the literature in individuals with PCLO-related conditions. This variant is not present in population databases (ExAC no frequency). This sequence change replaces threonine with alanine at codon 4945 of the PCLO protein (p.Thr4945Ala). The threonine residue is weakly conserved and there is a small physicochemical difference between threonine and alanine.